The following is an entry in ClinVar:

ClinVar aggregate classification (germline): Likely benign. Review status: criteria provided, multiple submitters, no conflicts (2 of 4 stars). 3 submissions from 3 submitters: Likely benign (2). 1 of the submissions does not count toward it. Last evaluated 2025-08-05.

Conditions:
Osteogenesis imperfecta type I (OI1). Also called: OI, TYPE I; OSTEOGENESIS IMPERFECTA TARDA; OSTEOGENESIS IMPERFECTA WITH BLUE SCLERAE; Osteogenesis imperfecta type 1; Lobstein's Disease; Lobstein disease. Identifiers: Orphanet 216796, Orphanet 666, MedGen C0023931, MONDO:0008146, OMIM 166200. Disease mechanism: loss of function.
COL1A1-related disorder. Also called: COL1A1- related disease; COL1A1-related condition.

Allele frequency attached by ClinVar (database versions not stated): TOPMed below 0.00001; ExAC 0.00001; gnomAD 0.00001.
gnomAD v4.1: 1 of 1,613,956 alleles (0.000062%); highest among the groups gnomAD compares: Non-Finnish European, 0.000085%; no homozygotes.

Submissions (3):

Mayo Clinic Laboratories, Mayo Clinic
Classification: Likely benign. Last evaluated: 2025-08-05. Review status: criteria provided, single submitter. Criteria: ACMG Guidelines, 2015. Collection method: clinical testing. Allele origin: germline. Observed: 1 variant allele.
Comment: BP4, BP7, PM2_supporting

Labcorp Genetics (formerly Invitae), Labcorp
Classification: Likely benign for Osteogenesis imperfecta type I. Last evaluated: 2024-03-13. Review status: criteria provided, single submitter. Criteria: Invitae Variant Classification Sherloc (09022015). Collection method: clinical testing. Allele origin: germline.

PreventionGenetics, part of Exact Sciences
Classification: Likely benign for COL1A1-related condition. Last evaluated: 2021-02-02. Review status: no assertion criteria provided. Collection method: clinical testing. Allele origin: germline. Not counted in ClinVar's aggregate classification.
Comment: This variant is classified as likely benign based on ACMG/AMP sequence variant interpretation guidelines (Richards et al. 2015 PMID: 25741868, with internal and published modifications).

NM_000088.4(COL1A1):c.4200C>T (p.Ala1400=)

Gene: COL1A1 (collagen type I alpha 1 chain; minus strand). Cytogenetic location: 17q21.33.
Variant type: single nucleotide variant.
Coding change: c.4200C>T on transcript NM_000088.4 (MANE Select); coding-DNA position 4200, C replaced by T.
Protein change: p.Ala1400=; no amino-acid change (alanine 1400 retained).
Molecular consequence: synonymous variant.
Genome position (GRCh38, 1-based): chr17:50,185,826, G>A on the plus strand (C>T on the coding strand, the complement: COL1A1 is on the minus strand). VCF-style: chr17-50185826-G-A. GRCh37 (hg19) VCF-style: chr17-48263187-G-A.
Other names: p.Ala1400=; c.4200C>T (NM_000088.3).
Identifiers: ClinVar variation 1652672 (VCV001652672.11), dbSNP rs764510425, ClinGen allele CA8644232.